The following is an entry in ClinVar:

ClinVar aggregate classification (germline): Uncertain significance (1 of 4 stars; one submission).

Conditions:
SP8-related disorder. Also called: SP8-related condition.

Submission:

PreventionGenetics, part of Exact Sciences
Classification: Uncertain significance for SP8-related condition. Last evaluated: 2025-08-12. Review status: criteria provided, single submitter. Criteria: ACMG Guidelines, 2015. Collection method: clinical testing. Allele origin: germline.
Comment: The SP8 c.226G>C variant is predicted to result in the amino acid substitution p.Gly76Arg. To our knowledge, this variant has not been reported in the literature or in a large population database (gnomAD), indicating this variant is rare. At this time, the clinical significance of this variant is uncertain due to the absence of conclusive functional and genetic evidence.

NM_182700.6(SP8):c.226G>C (p.Gly76Arg)

Gene: SP8 (Sp8 transcription factor; minus strand). Cytogenetic location: 7p21.1.
Variant type: single nucleotide variant.
Coding change: c.226G>C on transcript NM_182700.6 (MANE Select); coding-DNA position 226, G replaced by C.
Protein change: p.Gly76Arg; replaces glycine 76 with arginine.
Molecular consequence: missense variant.
Genome position (GRCh38, 1-based): chr7:20,785,591, C>G on the plus strand (G>C on the coding strand, the complement: SP8 is on the minus strand). VCF-style: chr7-20785591-C-G. GRCh37 (hg19) VCF-style: chr7-20825210-C-G.
Other names: c.172G>C, p.Gly58Arg (NM_198956.4); short protein forms G58R, G76R.
Identifiers: ClinVar variation 4989945 (VCV004989945.1).
Genomic context (GRCh38, chr7:20,785,591, plus strand): 5'-CCGCGGCTGCTGCCGCGGCCGCCGCAGCCGCCGAGGACGAGCCGCCGTTCCTGGAGGCCC[C>G]GGACACGCCGAAGCTTGAGAGACTGGAACCCACTACGTTGCAGCTGGCGGAAGAAGAGGA-3'
Protein context (NP_874359.2, residues 66-86): GSSLSSFGVS[Gly76Arg]ASRNGGSSSA